The following is an entry in ClinVar:

ClinVar aggregate classification (germline): Pathogenic (1 of 4 stars; one submission).

Conditions:
Primary ciliary dyskinesia 28. Also called: CILIARY DYSKINESIA, PRIMARY, 28, WITH OR WITHOUT SITUS INVERSUS. Identifiers: Orphanet 244, MedGen C3809706, MONDO:0014216, OMIM 615505.

Allele frequency attached by ClinVar (database versions not stated): gnomAD exomes below 0.00001; TOPMed below 0.00001; gnomAD 0.00001.

Submission:

Labcorp Genetics (formerly Invitae), Labcorp
Classification: Pathogenic for Primary ciliary dyskinesia 28. Last evaluated: 2022-08-15. Review status: criteria provided, single submitter. Criteria: Invitae Variant Classification Sherloc (09022015). Collection method: clinical testing. Allele origin: germline.
Comment: For these reasons, this variant has been classified as Pathogenic. This premature translational stop signal has been observed in individual(s) with primary ciliary dyskinesia (Invitae). In at least one individual the data is consistent with being in trans (on the opposite chromosome) from a pathogenic variant. This variant is not present in population databases (gnomAD no frequency). This sequence change creates a premature translational stop signal (p.Asn859Lysfs*18) in the SPAG1 gene. While this is not anticipated to result in nonsense mediated decay, it is expected to disrupt the last 68 amino acid(s) of the SPAG1 protein.

NM_003114.5(SPAG1):c.2577del (p.Asn859fs)

Gene: SPAG1 (sperm associated antigen 1; plus strand). Cytogenetic location: 8q22.2.
Variant type: Deletion.
Coding change: c.2577del on transcript NM_003114.5 (MANE Select); coding-DNA position 2577, one base deleted (T; older notation c.2577delT).
Protein change: p.Asn859fs; shifts the reading frame from asparagine 859.
Molecular consequence: frameshift variant.
Genome position (GRCh38, 1-based): chr8:100,240,699, T deleted. VCF-style (leftmost placement, unchanged base first): chr8-100240698-AT-A. GRCh37 (hg19) VCF-style: chr8-101252926-AT-A.
Other names: c.2577del, p.Asn859fs (NM_001374321.1, NM_172218.3); short protein forms N859fs.
Identifiers: ClinVar variation 1956907 (VCV001956907.5), dbSNP rs1254678434, ClinGen allele CA844564466.
Genomic context (GRCh38, chr8:100,240,698, plus strand): 5'-TGTTTTTAAGTAACAAACTTGAAGGGGATACATTCCTTCTCCTCATTCAGTCTCTGAAAA[AT>A]AATCTTATTGAAAAAGATCCCTCATTGGTGTATCAGCATCTTTTATACCTGAGTAAAGCA-3'